The following is an entry in ClinVar:

ClinVar aggregate classification (germline): Uncertain significance. Review status: criteria provided, multiple submitters, no conflicts (2 of 4 stars). 3 submissions from 3 submitters: Uncertain significance (3). Last evaluated 2024-11-12.

Conditions:
Inborn genetic diseases. Identifiers: MedGen C0950123, MeSH D030342.

Submissions (3):

Ambry Genetics
Classification: Uncertain significance for Inborn genetic diseases. Last evaluated: 2024-11-12. Review status: criteria provided, single submitter. Criteria: Ambry Variant Classification Scheme 2023. Collection method: clinical testing. Allele origin: germline.

Labcorp Genetics (formerly Invitae), Labcorp
Classification: Uncertain significance. Last evaluated: 2022-08-19. Review status: criteria provided, single submitter. Criteria: Invitae Variant Classification Sherloc (09022015). Collection method: clinical testing. Allele origin: germline.
Comment: This sequence change replaces arginine, which is basic and polar, with glycine, which is neutral and non-polar, at codon 116 of the CDH23 protein (p.Arg116Gly). This variant is not present in population databases (gnomAD no frequency). This variant has not been reported in the literature in individuals affected with CDH23-related conditions. Algorithms developed to predict the effect of missense changes on protein structure and function are either unavailable or do not agree on the potential impact of this missense change (SIFT: "Tolerated"; PolyPhen-2: "Not Available"; Align-GVGD: "Class C0"). In summary, the available evidence is currently insufficient to determine the role of this variant in disease. Therefore, it has been classified as a Variant of Uncertain Significance.

Blueprint Genetics
Classification: Uncertain significance. Last evaluated: 2022-07-20. Review status: criteria provided, single submitter. Criteria: ACMG Guidelines, 2015. Collection method: clinical testing. Allele origin: germline.

NM_022124.6(CDH23):c.346C>G (p.Arg116Gly)

Genes: CDH23 (cadherin related 23; plus strand), CDH23-AS1 (CDH23 antisense RNA 1; minus strand). Cytogenetic location: 10q22.1.
Variant type: single nucleotide variant.
Coding change: c.346C>G on transcript NM_022124.6 (MANE Select); coding-DNA position 346, C replaced by G.
Protein change: p.Arg116Gly; replaces arginine 116 with glycine.
Molecular consequence: missense variant.
Genome position (GRCh38, 1-based): chr10:71,511,129, C>G. VCF-style: chr10-71511129-C-G. GRCh37 (hg19) VCF-style: chr10-73270886-C-G.
Other names: c.346C>G, p.Arg116Gly (NM_001171930.2, NM_001171931.2, NM_001171932.2 and 1 more transcripts); c.346C>G (NM_022124.5); short protein forms R116G.
Identifiers: ClinVar variation 1911164 (VCV001911164.4), dbSNP rs765846175, ClinGen allele CA377115941.